The following is an entry in ClinVar:

ClinVar aggregate classification (germline): Uncertain significance. Review status: criteria provided, multiple submitters, no conflicts (2 of 4 stars). 2 submissions from 2 submitters: Uncertain significance (2). Last evaluated 2025-12-21.

Conditions:
Developmental and epileptic encephalopathy, 14 (DEE14). Also called: Early infantile epileptic encephalopathy 14. Identifiers: Orphanet 293181, MedGen C3554195, MONDO:0013989, OMIM 614959.
Autosomal dominant nocturnal frontal lobe epilepsy 5. Also called: KCNT1-Related Epilepsy; CILIARY DYSKINESIA, PRIMARY, 28, WITHOUT SITUS INVERSUS; CILIARY DYSKINESIA, PRIMARY, 28, WITH SITUS INVERSUS; Epilepsy, nocturnal frontal lobe, 5. Identifiers: Orphanet 98784, MedGen C3554306, MONDO:0014002, OMIM 615005.

gnomAD v4.1: 5 of 1,600,364 alleles (0.00031%); highest among the groups gnomAD compares: South Asian, 0.0011%; no homozygotes.

Submissions (2):

Labcorp Genetics (formerly Invitae), Labcorp
Classification: Uncertain significance for Autosomal dominant nocturnal frontal lobe epilepsy 5; Developmental and epileptic encephalopathy, 14. Last evaluated: 2025-12-21. Review status: criteria provided, single submitter. Criteria: Invitae Variant Classification Sherloc (09022015). Collection method: clinical testing. Allele origin: germline.
Comment: This sequence change replaces arginine, which is basic and polar, with cysteine, which is neutral and slightly polar, at codon 1146 of the KCNT1 protein (p.Arg1146Cys). This variant is not present in population databases (gnomAD no frequency). This variant has not been reported in the literature in individuals affected with KCNT1-related conditions. ClinVar contains an entry for this variant (Variation ID: 1310197). Invitae Evidence Modeling of protein sequence and biophysical properties (such as structural, functional, and spatial information, amino acid conservation, physicochemical variation, residue mobility, and thermodynamic stability) has been performed for this missense variant. However, the output from this modeling did not meet the statistical confidence thresholds required to predict the impact of this variant on KCNT1 protein function. In summary, the available evidence is currently insufficient to determine the role of this variant in disease. Therefore, it has been classified as a Variant of Uncertain Significance.

GeneDx
Classification: Uncertain significance. Last evaluated: 2019-11-11. Review status: criteria provided, single submitter. Criteria: GeneDx Variant Classification Process June 2021. Collection method: clinical testing. Allele origin: germline. Affected: yes.
Comment: In silico analysis, which includes protein predictors and evolutionary conservation, supports a deleterious effect; Has not been previously published as pathogenic or benign to our knowledge

NM_020822.3(KCNT1):c.3436C>T (p.Arg1146Cys)

Gene: KCNT1 (potassium sodium-activated channel subfamily T member 1; plus strand). Cytogenetic location: 9q34.3.
Variant type: single nucleotide variant.
Coding change: c.3436C>T on transcript NM_020822.3 (MANE Select); coding-DNA position 3436, C replaced by T.
Protein change: p.Arg1146Cys; replaces arginine 1146 with cysteine.
Molecular consequence: missense variant.
Genome position (GRCh38, 1-based): chr9:135,786,455, C>T. VCF-style: chr9-135786455-C-T. GRCh37 (hg19) VCF-style: chr9-138678301-C-T.
Other names: c.3301C>T, p.Arg1101Cys (NM_001272003.2); short protein forms R1101C, R1146C.
Identifiers: ClinVar variation 1310197 (VCV001310197.3), dbSNP rs1471022566, ClinGen allele CA375492199.
Genomic context (GRCh38, chr9:135,786,455, plus strand): 5'-CGGGCGGCGGCCGCGGAGTGGATCAGCCAGCAGCGCCTCAGCCTGTACCGGCGCTCTGAG[C>T]GCCAGGAGCTCTCCGAGCTGGTGAAGAACCGCATGAAGCACCTGGGGCTGCCCACCACCG-3'
Protein context (NP_065873.2, residues 1136-1156): QRLSLYRRSE[Arg1146Cys]QELSELVKNR